The following is an entry in ClinVar:

NM_024422.6(DSC2):c.1315A>G (p.Asn439Asp)

Gene: DSC2 (desmocollin 2; minus strand). Cytogenetic location: 18q12.1.
Variant type: single nucleotide variant.
Coding change: c.1315A>G on transcript NM_024422.6 (MANE Select); coding-DNA position 1315, A replaced by G.
Protein change: p.Asn439Asp; replaces asparagine 439 with aspartic acid.
Molecular consequence: missense variant.
Genome position (GRCh38, 1-based): chr18:31,080,301, T>C on the plus strand (A>G on the coding strand, the complement: DSC2 is on the minus strand). VCF-style: chr18-31080301-T-C. GRCh37 (hg19) VCF-style: chr18-28660267-T-C.
Other names: c.1315A>G, p.Asn439Asp (NM_004949.5); c.1315A>G (NM_024422.3); short protein forms N439D.
Identifiers: ClinVar variation 947676 (VCV000947676.11), dbSNP rs148712725, ClinGen allele CA030943.

ClinVar aggregate classification (germline): Conflicting classifications of pathogenicity. Review status: criteria provided, conflicting classifications (1 of 4 stars). 4 submissions from 4 submitters: Uncertain significance (3); Likely benign (1). Last evaluated 2025-11-16.

Conditions:
Cardiovascular phenotype. Identifiers: MedGen CN230736.
Arrhythmogenic right ventricular dysplasia 11. Also called: Arrhythmogenic Right Ventricular Dysplasia/Cardiomyopathy11; ARRHYTHMOGENIC RIGHT VENTRICULAR DYSPLASIA, FAMILIAL, 11; Arrhythmogenic right ventricular dysplasia 11 with mild palmoplantar keratoderma and woolly hair. Identifiers: MedGen C1864850, MONDO:0012506, OMIM 610476.
Cardiomyopathy (CMYO). Also called: Cardiomyopathies. Identifiers: Orphanet 167848, MedGen C0878544, MONDO:0004994, HP:0001638. Inheritance: Various modes of inheritance.

Allele frequency attached by ClinVar (database versions not stated): gnomAD 0.00001; ExAC 0.00002; TOPMed 0.00002; gnomAD exomes 0.00003 and 0.00004; ESP Exome Variant Server 0.00008.
gnomAD v4.1: 62 of 1,613,932 alleles (0.0038%); highest among the groups gnomAD compares: Non-Finnish European, 0.0051%; no homozygotes.

Submissions (4):

Labcorp Genetics (formerly Invitae), Labcorp
Classification: Uncertain significance for Arrhythmogenic right ventricular dysplasia 11. Last evaluated: 2025-11-16. Review status: criteria provided, single submitter. Criteria: Invitae Variant Classification Sherloc (09022015). Collection method: clinical testing. Allele origin: germline.
Comment: This sequence change replaces asparagine, which is neutral and polar, with aspartic acid, which is acidic and polar, at codon 439 of the DSC2 protein (p.Asn439Asp). This variant is present in population databases (rs148712725, gnomAD 0.007%). This variant has not been reported in the literature in individuals affected with DSC2-related conditions. ClinVar contains an entry for this variant (Variation ID: 947676). Invitae Evidence Modeling of protein sequence and biophysical properties (such as structural, functional, and spatial information, amino acid conservation, physicochemical variation, residue mobility, and thermodynamic stability) indicates that this missense variant is expected to disrupt DSC2 protein function with a positive predictive value of 80%. In summary, the available evidence is currently insufficient to determine the role of this variant in disease. Therefore, it has been classified as a Variant of Uncertain Significance.

Color Diagnostics, LLC DBA Color Health
Classification: Uncertain significance for Cardiomyopathy. Last evaluated: 2025-03-24. Review status: criteria provided, single submitter. Criteria: ACMG Guidelines, 2015. Collection method: clinical testing. Allele origin: germline.
Comment: This missense variant replaces asparagine with aspartic acid at codon 439 of the DSC2 protein. Computational prediction is inconclusive regarding the impact of this variant on protein structure and function (internally defined REVEL score threshold 0.5 < inconclusive < 0.7, PMID: 27666373). To our knowledge, functional studies have not been reported for this variant. This variant has not been reported in individuals affected with DSC2-related disorders in the literature. This variant has been identified in 7/250932 chromosomes in the general population by the Genome Aggregation Database (gnomAD). The available evidence is insufficient to determine the role of this variant in disease conclusively. Therefore, this variant is classified as a Variant of Uncertain Significance.

Ambry Genetics
Classification: Likely benign for Cardiovascular phenotype. Last evaluated: 2024-01-22. Review status: criteria provided, single submitter. Criteria: Ambry Variant Classification Scheme 2023. Collection method: clinical testing. Allele origin: germline.

Blueprint Genetics
Classification: Uncertain significance. Last evaluated: 2023-01-11. Review status: criteria provided, single submitter. Criteria: ACMG Guidelines, 2015. Collection method: clinical testing. Allele origin: germline.